The following is an entry in ClinVar:

ClinVar aggregate classification (germline): Uncertain significance. Review status: criteria provided, multiple submitters, no conflicts (2 of 4 stars). 2 submissions from 2 submitters: Uncertain significance (2). Last evaluated 2022-08-04.

Conditions:
Mendelian susceptibility to mycobacterial diseases due to complete IL12B deficiency. Also called: IL12B DEFICIENCY; Immunodeficiency 29. Identifiers: Orphanet 319558, MedGen C4013948, MONDO:0013954, OMIM 614890.

Allele frequency attached by ClinVar (database versions not stated): gnomAD exomes 0.00001; ExAC 0.00002; gnomAD 0.00002; TOPMed 0.00005; 1000 Genomes Project 30x 0.00016.
gnomAD v4.1: 23 of 1,613,492 alleles (0.0014%); highest among the groups gnomAD compares: Middle Eastern, 0.016%; no homozygotes.

Submissions (2):

Blueprint Genetics
Classification: Uncertain significance. Last evaluated: 2022-08-04. Review status: criteria provided, single submitter. Criteria: ACMG Guidelines, 2015. Collection method: clinical testing. Allele origin: germline.

Labcorp Genetics (formerly Invitae), Labcorp
Classification: Uncertain significance for Mendelian susceptibility to mycobacterial diseases due to complete IL12B deficiency. Last evaluated: 2022-02-18. Review status: criteria provided, single submitter. Criteria: Invitae Variant Classification Sherloc (09022015). Collection method: clinical testing. Allele origin: germline.
Comment: In summary, the available evidence is currently insufficient to determine the role of this variant in disease. Therefore, it has been classified as a Variant of Uncertain Significance. Algorithms developed to predict the effect of missense changes on protein structure and function are either unavailable or do not agree on the potential impact of this missense change (SIFT: "Tolerated"; PolyPhen-2: "Probably Damaging"; Align-GVGD: "Class C0"). This variant has not been reported in the literature in individuals affected with IL12B-related conditions. This variant is present in population databases (rs766056574, gnomAD 0.01%). This sequence change replaces threonine, which is neutral and polar, with methionine, which is neutral and non-polar, at codon 146 of the IL12B protein (p.Thr146Met).

NM_002187.3(IL12B):c.437C>T (p.Thr146Met)

Gene: IL12B (interleukin 12B; minus strand). Cytogenetic location: 5q33.3.
Variant type: single nucleotide variant.
Coding change: c.437C>T on transcript NM_002187.3 (MANE Select); coding-DNA position 437, C replaced by T.
Protein change: p.Thr146Met; replaces threonine 146 with methionine.
Molecular consequence: missense variant.
Genome position (GRCh38, 1-based): chr5:159,322,439, G>A on the plus strand (C>T on the coding strand, the complement: IL12B is on the minus strand). VCF-style: chr5-159322439-G-A. GRCh37 (hg19) VCF-style: chr5-158749447-G-A.
Other names: short protein forms T146M.
Identifiers: ClinVar variation 2171798 (VCV002171798.4), dbSNP rs766056574, ClinGen allele CA3538804.